The following is an entry in ClinVar:

NM_020297.4(ABCC9):c.1676C>T (p.Ala559Val)

Gene: ABCC9 (ATP binding cassette subfamily C member 9; minus strand). Cytogenetic location: 12p12.1.
Variant type: single nucleotide variant.
Coding change: c.1676C>T on transcript NM_020297.4 (MANE Select); coding-DNA position 1676, C replaced by T.
Protein change: p.Ala559Val; replaces alanine 559 with valine.
Molecular consequence: missense variant.
Genome position (GRCh38, 1-based): chr12:21,894,158, G>A on the plus strand (C>T on the coding strand, the complement: ABCC9 is on the minus strand). VCF-style: chr12-21894158-G-A. GRCh37 (hg19) VCF-style: chr12-22047092-G-A.
Other names: c.1676C>T (NM_005691.2); c.1676C>T, p.Ala559Val (NM_001377273.1, NM_005691.4); c.812C>T, p.Ala271Val (NM_001377274.1); short protein forms A271V, A559V.
Identifiers: ClinVar variation 852182 (VCV000852182.11), dbSNP rs772619542, ClinGen allele CA6481596.

ClinVar aggregate classification (germline): Conflicting classifications of pathogenicity. Review status: criteria provided, conflicting classifications (1 of 4 stars). 3 submissions from 3 submitters: Uncertain significance (2); Likely benign (1). Last evaluated 2025-10-19.

Conditions:
Dilated cardiomyopathy 1O (CMD1O). Also called: CARDIOMYOPATHY, DILATED, WITH VENTRICULAR TACHYCARDIA. Identifiers: Orphanet 154, MedGen C1837839, MONDO:0012062, OMIM 608569.
Cardiovascular phenotype. Identifiers: MedGen CN230736.

Allele frequency attached by ClinVar (database versions not stated): ExAC 0.00001; gnomAD 0.00001; gnomAD exomes 0.00001.
gnomAD v4.1: 14 of 1,613,888 alleles (0.00087%); highest among the groups gnomAD compares: African/African-American, 0.0027%; no homozygotes.

Submissions (3):

Labcorp Genetics (formerly Invitae), Labcorp
Classification: Uncertain significance for Dilated cardiomyopathy 1O. Last evaluated: 2025-10-19. Review status: criteria provided, single submitter. Criteria: Invitae Variant Classification Sherloc (09022015). Collection method: clinical testing. Allele origin: germline.
Comment: This sequence change replaces alanine, which is neutral and non-polar, with valine, which is neutral and non-polar, at codon 559 of the ABCC9 protein (p.Ala559Val). This variant is present in population databases (rs772619542, gnomAD 0.006%). This variant has not been reported in the literature in individuals affected with ABCC9-related conditions. ClinVar contains an entry for this variant (Variation ID: 852182). Invitae Evidence Modeling of protein sequence and biophysical properties (such as structural, functional, and spatial information, amino acid conservation, physicochemical variation, residue mobility, and thermodynamic stability) indicates that this missense variant is not expected to disrupt ABCC9 protein function with a negative predictive value of 95%. In summary, the available evidence is currently insufficient to determine the role of this variant in disease. Therefore, it has been classified as a Variant of Uncertain Significance.

Ambry Genetics
Classification: Uncertain significance for Cardiovascular phenotype. Last evaluated: 2024-02-20. Review status: criteria provided, single submitter. Criteria: Ambry Variant Classification Scheme 2023. Collection method: clinical testing. Allele origin: germline.
Comment: The p.A559V variant (also known as c.1676C>T), located in coding exon 12 of the ABCC9 gene, results from a C to T substitution at nucleotide position 1676. The alanine at codon 559 is replaced by valine, an amino acid with similar properties. This amino acid position is well conserved in available vertebrate species. In addition, this alteration is predicted to be tolerated by in silico analysis. Based on the available evidence, the clinical significance of this alteration remains unclear.

Blueprint Genetics
Classification: Likely benign. Last evaluated: 2021-12-07. Review status: criteria provided, single submitter. Criteria: ACMG Guidelines, 2015. Collection method: clinical testing. Allele origin: germline.